The following is an entry in ClinVar:

ClinVar aggregate classification (germline): Uncertain significance (1 of 4 stars; one submission).

Conditions:
Hereditary cancer-predisposing syndrome. Also called: Tumor predisposition; Neoplastic Syndromes, Hereditary; Hereditary neoplastic syndrome; Hereditary Cancer Syndrome. Identifiers: Orphanet 140162, MedGen C0027672, MeSH D009386, MONDO:0015356.

Submission:

Ambry Genetics
Classification: Uncertain significance for Hereditary cancer-predisposing syndrome. Last evaluated: 2025-08-27. Review status: criteria provided, single submitter. Criteria: Ambry Variant Classification Scheme 2023. Collection method: clinical testing. Allele origin: germline.
Comment: The p.P348A variant (also known as c.1042C>G), located in coding exon 12 of the MUTYH gene, results from a C to G substitution at nucleotide position 1042. The proline at codon 348 is replaced by alanine, an amino acid with highly similar properties. This amino acid position is conserved. In addition, this alteration is predicted to be tolerated by in silico analysis. Based on the available evidence, the clinical significance of this variant remains unclear.

NM_001048174.2(MUTYH):c.958C>G (p.Pro320Ala)

Gene: MUTYH (mutY DNA glycosylase; minus strand). Cytogenetic location: 1p34.1.
Variant type: single nucleotide variant.
Coding change: c.958C>G on transcript NM_001048174.2 (MANE Select); coding-DNA position 958, C replaced by G.
Protein change: p.Pro320Ala; replaces proline 320 with alanine.
Molecular consequence: missense variant. On other transcripts: non-coding transcript variant (7).
Genome position (GRCh38, 1-based): chr1:45,331,805, G>C on the plus strand (C>G on the coding strand, the complement: MUTYH is on the minus strand). VCF-style: chr1-45331805-G-C. GRCh37 (hg19) VCF-style: chr1-45797477-G-C.
Other names: c.958C>G, p.Pro320Ala (NM_001048171.2, NM_001048173.2, NM_001293195.2 and 6 more transcripts); c.961C>G, p.Pro321Ala (NM_001048172.2, NM_001407071.1, NM_001407078.1 and 1 more transcripts); c.1042C>G, p.Pro348Ala (NM_001128425.2); c.1003C>G, p.Pro335Ala (NM_001293190.2); c.991C>G, p.Pro331Ala (NM_001293191.2, NM_001407069.1, NM_001407077.1); c.682C>G, p.Pro228Ala (NM_001293192.2, NM_001293196.2, NM_001407091.1); c.613C>G, p.Pro205Ala (NM_001350650.2, NM_001350651.2, NM_001407082.1); c.874C>G, p.Pro292Ala (NM_001407075.1); and 5 more; short protein forms P292A, P335A, P205A, P321A, P331A, P334A, P348A, P306A.
Identifiers: ClinVar variation 4112953 (VCV004112953.1).